The following is an entry in ClinVar:

NM_000108.5(DLD):c.*18A>T

Gene: DLD (dihydrolipoamide dehydrogenase; plus strand). Cytogenetic location: 7q31.1.
Variant type: single nucleotide variant.
Coding change: c.*18A>T on transcript NM_000108.5 (MANE Select); 18 bases downstream of the stop codon, A replaced by T.
Molecular consequence: 3 prime UTR variant.
Genome position (GRCh38, 1-based): chr7:107,919,277, A>T. VCF-style: chr7-107919277-A-T. GRCh37 (hg19) VCF-style: chr7-107559722-A-T.
Other names: NC_000007.13:g.107559722A>T; c.*18A>T (NM_001289750.1, NM_001289751.1, NM_001289752.1).
Identifiers: ClinVar variation 137102 (VCV000137102.18), dbSNP rs8721, ClinGen allele CA290615.

ClinVar aggregate classification (germline): Benign. Review status: criteria provided, multiple submitters, no conflicts (2 of 4 stars). 13 submissions from 11 submitters: Benign (10). 3 of the submissions do not count toward it. Last evaluated 2024-11-27.

Conditions:
Pyruvate dehydrogenase complex deficiency (PDHC). Also called: Pyruvate Dehydrogenase Complex Deficiency Disease; Pyruvate dehydrogenase deficiency; Ataxia with lactic acidosis 1; PYRUVATE DECARBOXYLASE DEFICIENCY; PDH DEFICIENCY. Identifiers: Orphanet 765, Orphanet 79243, MedGen C0034345, MONDO:0019169.
Pyruvate dehydrogenase E3 deficiency (DLDD). Also called: MAPLE SYRUP URINE DISEASE, TYPE III; Dihydrolipoamide Dehydrogenase E3 Deficiency; Dihydrolipoamide Dehydrogenase Deficiency; Dihydrolipoamide Dehydrogenase (E3) Deficiency; DLD DEFICIENCY; E3 DEFICIENCY. Identifiers: Orphanet 2394, Orphanet 765, MedGen C5574660, MONDO:0009529, OMIM 246900.
Leigh syndrome (NULS). Also called: Leigh Disease; Subacute necrotizing encephalopathy; Necrotizing encephalopathy infantile subacute of Leigh; Leigh Syndrome (mtDNA deletion); Leigh's necrotizing encephalopathy; Leigh's disease. Identifiers: Orphanet 506, MedGen C2931891, MONDO:0009723, OMIM 256000.

Allele frequency attached by ClinVar (database versions not stated): 1000 Genomes Project 30x 0.26968; 1000 Genomes Project 0.27576; ESP Exome Variant Server 0.29758; TOPMed 0.30497; gnomAD 0.31455 and 0.31523; gnomAD exomes 0.36125 and 0.38789.
gnomAD v4.1: 599,656 of 1,576,250 alleles (38%); highest among the groups gnomAD compares: Non-Finnish European, 41%; 118,697 homozygotes.

Submissions (15):

Blueprint Genetics
Classification: Benign. Last evaluated: 2024-11-27. Review status: criteria provided, single submitter. Criteria: ACMG Guidelines, 2015. Collection method: clinical testing. Allele origin: germline.

Mayo Clinic Laboratories, Mayo Clinic
Classification: Benign. Last evaluated: 2022-02-03. Review status: criteria provided, single submitter. Criteria: ACMG Guidelines, 2015. Collection method: clinical testing. Allele origin: germline. Observed: 20 variant alleles.

Genome-Nilou Lab
Classification: Benign for Pyruvate dehydrogenase E3 deficiency. Last evaluated: 2021-07-01. Review status: criteria provided, single submitter. Criteria: ACMG Guidelines, 2015. Collection method: clinical testing. Allele origin: germline. Affected: no.

Illumina Laboratory Services, Illumina
Classification: Benign for Pyruvate dehydrogenase E3 deficiency. Last evaluated: 2018-01-13. Review status: criteria provided, single submitter. Criteria: ICSL Variant Classification Criteria 13 December 2019. Collection method: clinical testing. Allele origin: germline.
Comment: This variant was observed in the ICSL laboratory as part of a predisposition screen in an ostensibly healthy population. It had not been previously curated by ICSL or reported in the Human Gene Mutation Database (HGMD: prior to June 1st, 2018), and was therefore a candidate for classification through an automated scoring system. Utilizing variant allele frequency, disease prevalence and penetrance estimates, and inheritance mode, an automated score was calculated to assess if this variant is too frequent to cause the disease. Based on the score and internal cut-off values, a variant classified as benign is not then subjected to further curation. The score for this variant resulted in a classification of benign for this disease.

Illumina Laboratory Services, Illumina
Classification: Benign for Leigh syndrome. Last evaluated: 2018-01-13. Review status: criteria provided, single submitter. Criteria: ICSL Variant Classification Criteria 13 December 2019. Collection method: clinical testing. Allele origin: germline.
Comment: the same text as in the submission from Illumina Laboratory Services, Illumina above.

Illumina Laboratory Services, Illumina
Classification: Benign for Pyruvate dehydrogenase complex deficiency. Last evaluated: 2018-01-13. Review status: criteria provided, single submitter. Criteria: ICSL Variant Classification Criteria 13 December 2019. Collection method: clinical testing. Allele origin: germline.
Comment: the same text as in the submission from Illumina Laboratory Services, Illumina above.

Women's Health and Genetics/Laboratory Corporation of America, LabCorp
Classification: Benign. Last evaluated: 2016-11-21. Review status: criteria provided, single submitter. Criteria: LabCorp Variant Classification Summary - May 2015. Collection method: clinical testing. Allele origin: germline.
Comment: Variant summary: The DLD c.*18A>T is located in the 3'UTR involving the alteration of a non-conserved nucleotide. The variant of interest was observed in the large, broad control population, ExAC, with an allele frequency of 41777/115992 (7987 homozygotes, 1/2), which significantly exceeds the estimated maximal expected allele frequency for a pathogenic DLD variant of 1/200 (0.005). Therefore, suggesting this variant is likely a benign polymorphism. Multiple reputable clinical diagnostic laboratories cite the variant as Benign. Therefore, the variant of interest has been classified as Benign.

GeneDx
Classification: Benign. Last evaluated: 2014-08-07. Review status: criteria provided, single submitter. Criteria: GeneDx Variant Classification (06012015). Collection method: clinical testing. Allele origin: germline. Affected: yes.
Comment: This variant is considered likely benign or benign based on one or more of the following criteria: it is a conservative change, it occurs at a poorly conserved position in the protein, it is predicted to be benign by multiple in silico algorithms, and/or has population frequency not consistent with disease.

Breakthrough Genomics
Classification: Benign. Review status: criteria provided, single submitter. Criteria: ACMG Guidelines, 2015. Collection method: not provided. Allele origin: germline. Inheritance: Autosomal recessive inheritance. Affected: yes.

PreventionGenetics, part of Exact Sciences
Classification: Benign. Review status: criteria provided, single submitter. Criteria: ACMG Guidelines, 2015. Collection method: clinical testing. Allele origin: germline.

Clinical Genetics, Academic Medical Center
Classification: Benign. Review status: no assertion criteria provided. Collection method: clinical testing. Allele origin: germline. Affected: yes. Study: VKGL Data-share Consensus. Not counted in ClinVar's aggregate classification.

Diagnostic Laboratory, Department of Genetics, University Medical Center Groningen
Classification: Benign for Pyruvate dehydrogenase E3 deficiency. Review status: no assertion criteria provided. Collection method: clinical testing. Allele origin: germline. Affected: yes. Study: VKGL Data-share Consensus. Not counted in ClinVar's aggregate classification.

Dr. Peter K. Rogan Lab, Western University
No classification provided (evidence only). Condition: Nonpapillary renal cell carcinoma. Review status: no classification provided. Collection method: in vitro. Allele origin: not applicable. Functional consequence: retained intron. Not counted in ClinVar's aggregate classification.

Dr. Peter K. Rogan Lab, Western University
No classification provided (evidence only). Condition: Nonpapillary renal cell carcinoma. Review status: no classification provided. Collection method: in vitro. Allele origin: not applicable. Functional consequence: retained intron. Not counted in ClinVar's aggregate classification.

Joint Genome Diagnostic Labs from Nijmegen and Maastricht, Radboudumc and MUMC+
Classification: Benign. Review status: no assertion criteria provided. Collection method: clinical testing. Allele origin: germline. Affected: yes. Study: VKGL Data-share Consensus. Not counted in ClinVar's aggregate classification.